The following is an entry in ClinVar:

ClinVar aggregate classification (germline): Uncertain significance. Review status: criteria provided, multiple submitters, no conflicts (2 of 4 stars). 2 submissions from 2 submitters: Uncertain significance (2). Last evaluated 2025-06-06.

Allele frequency attached by ClinVar (database versions not stated): gnomAD exomes 0.00004; ExAC 0.00017; gnomAD 0.00037; TOPMed 0.00038; ESP Exome Variant Server 0.00054; 1000 Genomes Project 0.00060; 1000 Genomes Project 30x 0.00062.
gnomAD v4.1: 117 of 1,613,858 alleles (0.0072%); highest among the groups gnomAD compares: African/African-American, 0.11%; no homozygotes.

Submissions (2):

Athena Diagnostics
Classification: Uncertain significance. Last evaluated: 2025-06-06. Review status: criteria provided, single submitter. Criteria: Athena Diagnostics Criteria. Collection method: clinical testing. Allele origin: unknown.
Comment: Available data are insufficient to determine the clinical significance of the variant at this time. The frequency of this variant in the general population is higher than would generally be expected for pathogenic variants in this gene. Polyphen and MutationTaster yielded discordant predictions regarding whether this amino acid change is damaging to the protein.

GeneDx
Classification: Uncertain significance. Last evaluated: 2022-11-10. Review status: criteria provided, single submitter. Criteria: GeneDx Variant Classification Process June 2021. Collection method: clinical testing. Allele origin: germline. Affected: yes.
Comment: In silico analysis supports that this missense variant has a deleterious effect on protein structure/function; Has not been previously published as pathogenic or benign to our knowledge

NM_018319.4(TDP1):c.655T>C (p.Phe219Leu)

Gene: TDP1 (tyrosyl-DNA phosphodiesterase 1; plus strand). Cytogenetic location: 14q32.11.
Variant type: single nucleotide variant.
Coding change: c.655T>C on transcript NM_018319.4 (MANE Select); coding-DNA position 655, T replaced by C.
Protein change: p.Phe219Leu; replaces phenylalanine 219 with leucine.
Molecular consequence: missense variant.
Genome position (GRCh38, 1-based): chr14:89,967,418, T>C. VCF-style: chr14-89967418-T-C. GRCh37 (hg19) VCF-style: chr14-90433762-T-C.
Other names: c.655T>C, p.Phe219Leu (NM_001008744.2, NM_001330205.2); short protein forms F219L.
Identifiers: ClinVar variation 1807067 (VCV001807067.3), dbSNP rs148474327, ClinGen allele CA7303655.